The following is an entry in ClinVar:

NM_013261.5(PPARGC1A):c.1228C>A (p.Leu410Ile)

Gene: PPARGC1A (PPARG coactivator 1 alpha; minus strand). Cytogenetic location: 4p15.2.
Variant type: single nucleotide variant.
Coding change: c.1228C>A on transcript NM_013261.5 (MANE Select); coding-DNA position 1228, C replaced by A.
Protein change: p.Leu410Ile; replaces leucine 410 with isoleucine.
Molecular consequence: missense variant. On other transcripts: non-coding transcript variant (7).
Genome position (GRCh38, 1-based): chr4:23,814,255, G>T on the plus strand (C>A on the coding strand, the complement: PPARGC1A is on the minus strand). VCF-style: chr4-23814255-G-T. GRCh37 (hg19) VCF-style: chr4-23815878-G-T.
Other names: c.1243C>A, p.Leu415Ile (NM_001330751.2, NM_001354825.2, NM_001354827.2); c.1192C>A, p.Leu398Ile (NM_001330752.2); c.847C>A, p.Leu283Ile (NM_001330753.2, NM_001354826.2); c.1243C>A (NM_001330751.1); short protein forms L283I, L415I, L410I, L398I.
Identifiers: ClinVar variation 788779 (VCV000788779.6), dbSNP rs34514918, ClinGen allele CA2875283.

ClinVar aggregate classification (germline): Benign. Review status: criteria provided, multiple submitters, no conflicts (2 of 4 stars). 3 submissions from 3 submitters: Benign (2). 1 of the submissions does not count toward it. Last evaluated 2018-06-05.

Conditions:
PPARGC1A-related disorder. Also called: PPARGC1A-related condition.

Allele frequency attached by ClinVar (database versions not stated): gnomAD exomes 0.00083 and 0.00177; ExAC 0.00196; 1000 Genomes Project 0.00539; 1000 Genomes Project 30x 0.00547; gnomAD 0.00579 and 0.00624; TOPMed 0.00657; ESP Exome Variant Server 0.00707.
gnomAD v4.1: 2,142 of 1,614,034 alleles (0.13%); highest among the groups gnomAD compares: African/African-American, 2.1%; 27 homozygotes.

Submissions (3):

Labcorp Genetics (formerly Invitae), Labcorp
Classification: Benign. Last evaluated: 2018-06-05. Review status: criteria provided, single submitter. Criteria: Invitae Variant Classification Sherloc (09022015). Collection method: clinical testing. Allele origin: germline.

Breakthrough Genomics
Classification: Benign. Review status: criteria provided, single submitter. Criteria: ACMG Guidelines, 2015. Collection method: not provided. Allele origin: germline. Inheritance: Unknown mechanism. Affected: yes.

PreventionGenetics, part of Exact Sciences
Classification: Benign for PPARGC1A-related condition. Last evaluated: 2019-05-24. Review status: no assertion criteria provided. Collection method: clinical testing. Allele origin: germline. Not counted in ClinVar's aggregate classification.
Comment: This variant is classified as benign based on ACMG/AMP sequence variant interpretation guidelines (Richards et al. 2015 PMID: 25741868, with internal and published modifications).